The following is an entry in ClinVar:

ClinVar aggregate classification (germline): Uncertain significance (1 of 4 stars; one submission).

Conditions:
Charcot-Marie-Tooth disease axonal type 2Z. Also called: CHARCOT-MARIE-TOOTH DISEASE, AXONAL, AUTOSOMAL DOMINANT, TYPE 2Z; CHARCOT-MARIE-TOOTH NEUROPATHY, TYPE 2Z. Identifiers: Orphanet 466768, MedGen C5569025, MONDO:0014736, OMIM 616688.

Allele frequency attached by ClinVar (database versions not stated): gnomAD exomes below 0.00001.
gnomAD v4.1: 8 of 1,613,774 alleles (0.0005%); highest among the groups gnomAD compares: African/African-American, 0.0027%; no homozygotes.

Submission:

Labcorp Genetics (formerly Invitae), Labcorp
Classification: Uncertain significance for Charcot-Marie-Tooth disease axonal type 2Z. Last evaluated: 2024-11-19. Review status: criteria provided, single submitter. Criteria: Invitae Variant Classification Sherloc (09022015). Collection method: clinical testing. Allele origin: germline.
Comment: This sequence change falls in intron 23 of the MORC2 gene. It does not directly change the encoded amino acid sequence of the MORC2 protein. It affects a nucleotide within the consensus splice site. This variant is not present in population databases (gnomAD no frequency). This variant has not been reported in the literature in individuals affected with MORC2-related conditions. ClinVar contains an entry for this variant (Variation ID: 1480192). Experimental studies and prediction algorithms are not available or were not evaluated, and the functional significance of this variant is currently unknown. Variants that disrupt the consensus splice site are a relatively common cause of aberrant splicing (PMID: 17576681, 9536098). Algorithms developed to predict the effect of sequence changes on RNA splicing suggest that this variant may create or strengthen a splice site. In summary, the available evidence is currently insufficient to determine the role of this variant in disease. Therefore, it has been classified as a Variant of Uncertain Significance.

Literature cited by the submitters: PubMed 17576681; PubMed 9536098.

NM_001303256.3(MORC2):c.2748-3T>C

Gene: MORC2 (MORC family CW-type zinc finger 2; minus strand). Cytogenetic location: 22q12.2.
Variant type: single nucleotide variant.
Coding change: c.2748-3T>C on transcript NM_001303256.3 (MANE Select); 3 bases into the intron before coding-DNA position 2748, T replaced by C.
Molecular consequence: intron variant.
Genome position (GRCh38, 1-based): chr22:30,932,455, A>G on the plus strand (T>C on the coding strand, the complement: MORC2 is on the minus strand). VCF-style: chr22-30932455-A-G. GRCh37 (hg19) VCF-style: chr22-31328442-A-G.
Other names: c.2748-3T>C (NM_001303257.2); c.2562-3T>C (NM_014941.3).
Identifiers: ClinVar variation 1480192 (VCV001480192.6), dbSNP rs1602477344, ClinGen allele CA2401258714.